The following is an entry in ClinVar:

NM_000100.4(CSTB):c.36C>T (p.Ala12=)

Genes: CSTB (cystatin B; minus strand), LOC130066788 (ATAC-STARR-seq lymphoblastoid silent region 13368; plus strand). Cytogenetic location: 21q22.3.
Variant type: single nucleotide variant.
Coding change: c.36C>T on transcript NM_000100.4 (MANE Select); coding-DNA position 36, C replaced by T.
Protein change: p.Ala12=; no amino-acid change (alanine 12 retained).
Molecular consequence: synonymous variant.
Genome position (GRCh38, 1-based): chr21:43,776,234, G>A on the plus strand (C>T on the coding strand, the complement: CSTB is on the minus strand). VCF-style: chr21-43776234-G-A. GRCh37 (hg19) VCF-style: chr21-45196115-G-A.
Identifiers: ClinVar variation 1179990 (VCV001179990.2), dbSNP rs2123387876, ClinGen allele CA512475962.

ClinVar aggregate classification (germline): Uncertain significance (1 of 4 stars; one submission).

Submission:

GeneDx
Classification: Uncertain significance. Last evaluated: 2019-03-22. Review status: criteria provided, single submitter. Criteria: GeneDx Variant Classification Process June 2021. Collection method: clinical testing. Allele origin: germline. Affected: yes.
Comment: Not observed in large population cohorts (Lek et al., 2016); In silico analysis, which includes splice predictors and evolutionary conservation, supports that this variant does not alter protein structure/function; Has not been previously published as pathogenic or benign to our knowledge